The following is an entry in ClinVar:

ClinVar aggregate classification (germline): Uncertain significance. Review status: criteria provided, multiple submitters, no conflicts (2 of 4 stars). 2 submissions from 2 submitters: Uncertain significance (2). Last evaluated 2022-08-22.

Conditions:
Congenital adrenal hyperplasia due to cytochrome P450 oxidoreductase deficiency. Also called: DISORDERED STEROIDOGENESIS DUE TO POR DEFICIENCY. Identifiers: Orphanet 95699, MedGen C1860042, MONDO:0013310, OMIM 613571.

Allele frequency attached by ClinVar (database versions not stated): ESP Exome Variant Server 0.00008; gnomAD 0.00011; TOPMed 0.00017.
gnomAD v4.1: 74 of 1,612,502 alleles (0.0046%); highest among the groups gnomAD compares: East Asian, 0.04%; 1 homozygote.

Submissions (2):

Labcorp Genetics (formerly Invitae), Labcorp
Classification: Uncertain significance for Congenital adrenal hyperplasia due to cytochrome P450 oxidoreductase deficiency. Last evaluated: 2022-08-22. Review status: criteria provided, single submitter. Criteria: Invitae Variant Classification Sherloc (09022015). Collection method: clinical testing. Allele origin: germline.
Comment: This sequence change replaces glycine, which is neutral and non-polar, with serine, which is neutral and polar, at codon 626 of the POR protein (p.Gly626Ser). This variant is present in population databases (rs369181144, gnomAD 0.08%). This variant has not been reported in the literature in individuals affected with POR-related conditions. ClinVar contains an entry for this variant (Variation ID: 911700). Algorithms developed to predict the effect of missense changes on protein structure and function output the following: SIFT: "Tolerated"; PolyPhen-2: "Benign"; Align-GVGD: "Class C0". The serine amino acid residue is found in multiple mammalian species, which suggests that this missense change does not adversely affect protein function. In summary, the available evidence is currently insufficient to determine the role of this variant in disease. Therefore, it has been classified as a Variant of Uncertain Significance.

Illumina Laboratory Services, Illumina
Classification: Uncertain significance for Congenital adrenal hyperplasia due to cytochrome P450 oxidoreductase deficiency. Last evaluated: 2018-01-12. Review status: criteria provided, single submitter. Criteria: ICSL Variant Classification Criteria 13 December 2019. Collection method: clinical testing. Allele origin: germline.

NM_001395413.1(POR):c.1867G>A (p.Gly623Ser)

Gene: POR (cytochrome p450 oxidoreductase; plus strand). Cytogenetic location: 7q11.23.
Variant type: single nucleotide variant.
Coding change: c.1867G>A on transcript NM_001395413.1 (MANE Select); coding-DNA position 1867, G replaced by A.
Protein change: p.Gly623Ser; replaces glycine 623 with serine.
Molecular consequence: missense variant.
Genome position (GRCh38, 1-based): chr7:75,986,219, G>A. VCF-style: chr7-75986219-G-A. GRCh37 (hg19) VCF-style: chr7-75615537-G-A.
Other names: c.1867G>A, p.Gly623Ser (NM_001367562.3, NM_001382657.2, NM_001382658.3 and 1 more transcripts); c.1921G>A, p.Gly641Ser (NM_001382655.3); c.1717G>A, p.Gly573Ser (NM_001382662.3); short protein forms G573S, G623S, G641S.
Identifiers: ClinVar variation 911700 (VCV000911700.6), dbSNP rs369181144, ClinGen allele CA4304326.